The following is an entry in ClinVar:

NM_001164508.2(NEB):c.24177A>G (p.Arg8059=)

Genes: RIF1 (replication timing regulatory factor 1; plus strand), NEB (nebulin; minus strand). Cytogenetic location: 2q23.3.
Variant type: single nucleotide variant.
Coding change: c.24177A>G on transcript NM_001164508.2 (MANE Select); coding-DNA position 24177, A replaced by G.
Protein change: p.Arg8059=; no amino-acid change (arginine 8059 retained).
Molecular consequence: synonymous variant. On other transcripts: intron variant (1).
Genome position (GRCh38, 1-based): chr2:151,498,290, T>C on the plus strand (A>G on the coding strand, the complement: NEB is on the minus strand). VCF-style: chr2-151498290-T-C. GRCh37 (hg19) VCF-style: chr2-152354804-T-C.
Other names: p.Arg8094=; c.24177A>G, p.Arg8059= (NM_001164507.2); c.24282A>G, p.Arg8094= (NM_001271208.2); c.18826-1922A>G (NM_004543.5).
Identifiers: ClinVar variation 778760 (VCV000778760.12), dbSNP rs1030563077, ClinGen allele CA57669474.
Genomic context (GRCh38, chr2:151,498,290, plus strand): 5'-GGCATTTTTTCCCCTTTCTTTCCAAAATACCGAGCTAAGGTTTTCTTGATTGTGTTTGAC[T>C]CTCTGCATCTCAGGAGTGATGGGGATTGGAATTCCTGTCCCCAGGTTTTCTTTGTATAGC-3'
Protein context (NP_001157980.2, residues 8049-8069): IPIPITPEMQ[Arg8059=]VKHNQENLSS

ClinVar aggregate classification (germline): Likely benign. Review status: criteria provided, multiple submitters, no conflicts (2 of 4 stars). 3 submissions from 3 submitters: Likely benign (3). Last evaluated 2025-12-01.

Conditions:
Nemaline myopathy 2 (NEM2). Also called: Nemaline myopathy 2, autosomal recessive. Identifiers: MedGen C1850569, MONDO:0009725, OMIM 256030.

Allele frequency attached by ClinVar (database versions not stated): TOPMed 0.00006.
gnomAD v4.1: 53 of 1,551,458 alleles (0.0034%); highest among the groups gnomAD compares: Non-Finnish European, 0.0044%; no homozygotes.

Submissions (3):

Labcorp Genetics (formerly Invitae), Labcorp
Classification: Likely benign for Nemaline myopathy 2. Last evaluated: 2025-12-01. Review status: criteria provided, single submitter. Criteria: Invitae Variant Classification Sherloc (09022015). Collection method: clinical testing. Allele origin: germline.

Mayo Clinic Laboratories, Mayo Clinic
Classification: Likely benign. Last evaluated: 2025-10-22. Review status: criteria provided, single submitter. Criteria: ACMG Guidelines, 2015. Collection method: clinical testing. Allele origin: germline. Observed: 1 variant allele.
Comment: BP4, BP7

Athena Diagnostics
Classification: Likely benign. Last evaluated: 2021-03-11. Review status: criteria provided, single submitter. Criteria: Athena Diagnostics criteria. Collection method: clinical testing. Allele origin: unknown.